The following is an entry in ClinVar:

NM_002185.5(IL7R):c.590C>A (p.Pro197Gln)

Gene: IL7R (interleukin 7 receptor; plus strand). Cytogenetic location: 5p13.2.
Variant type: single nucleotide variant.
Coding change: c.590C>A on transcript NM_002185.5 (MANE Select); coding-DNA position 590, C replaced by A.
Protein change: p.Pro197Gln; replaces proline 197 with glutamine.
Molecular consequence: missense variant.
Genome position (GRCh38, 1-based): chr5:35,873,532, C>A. VCF-style: chr5-35873532-C-A. GRCh37 (hg19) VCF-style: chr5-35873634-C-A.
Other names: c.590C>A, p.Pro197Gln (NM_001410734.1); short protein forms P197Q.
Identifiers: ClinVar variation 2135649 (VCV002135649.4), dbSNP rs587778404, ClinGen allele CA359430646.

ClinVar aggregate classification (germline): Uncertain significance (1 of 4 stars; one submission).

Conditions:
Immunodeficiency 104. Also called: IMMUNODEFICIENCY 104, SEVERE COMBINED; Severe combined immunodeficiency, autosomal recessive, T cell-negative, B cell-positive, NK cell-positive; SCID, AUTOSOMAL RECESSIVE, T CELL-NEGATIVE, B CELL-POSITIVE, NK CELL-POSITIVE; Severe Combined Immune Deficiency, Autosomal Recessive, TCell -Negative, B Cell-Positive, NK Cell-Positive, IL7R-Related. Identifiers: MedGen C5676890, MONDO:0012163, OMIM 608971.

Submission:

Labcorp Genetics (formerly Invitae), Labcorp
Classification: Uncertain significance for Immunodeficiency 104. Last evaluated: 2022-05-30. Review status: criteria provided, single submitter. Criteria: Invitae Variant Classification Sherloc (09022015). Collection method: clinical testing. Allele origin: germline.
Comment: This variant has not been reported in the literature in individuals affected with IL7R-related conditions. This variant is not present in population databases (gnomAD no frequency). This sequence change replaces proline, which is neutral and non-polar, with glutamine, which is neutral and polar, at codon 197 of the IL7R protein (p.Pro197Gln). Advanced modeling of protein sequence and biophysical properties (such as structural, functional, and spatial information, amino acid conservation, physicochemical variation, residue mobility, and thermodynamic stability) performed at Invitae indicates that this missense variant is expected to disrupt IL7R protein function. Algorithms developed to predict the effect of sequence changes on RNA splicing suggest that this variant may disrupt the consensus splice site. In summary, the available evidence is currently insufficient to determine the role of this variant in disease. Therefore, it has been classified as a Variant of Uncertain Significance.